The following is an entry in ClinVar:

ClinVar aggregate classification (germline): Uncertain significance. Review status: criteria provided, multiple submitters, no conflicts (2 of 4 stars). 2 submissions from 2 submitters: Uncertain significance (2). Last evaluated 2025-08-14.

Conditions:
Arrhythmogenic right ventricular dysplasia 10. Also called: Arrhythmogenic Right Ventricular Dysplasia/Cardiomyopathy10; Arrhythmogenic right ventricular dysplasia/cardiomyopathy, type 10; ARRHYTHMOGENIC RIGHT VENTRICULAR DYSPLASIA, FAMILIAL, 10. Identifiers: MedGen C1857777, MONDO:0012434, OMIM 610193.
Cardiovascular phenotype. Identifiers: MedGen CN230736.

Allele frequency attached by ClinVar (database versions not stated): gnomAD exomes below 0.00001; TOPMed 0.00001.
gnomAD v4.1: 1 of 1,614,166 alleles (0.000062%); highest among the groups gnomAD compares: Non-Finnish European, 0.000085%; no homozygotes.

Submissions (2):

Ambry Genetics
Classification: Uncertain significance for Cardiovascular phenotype. Last evaluated: 2025-08-14. Review status: criteria provided, single submitter. Criteria: Ambry Variant Classification Scheme 2023. Collection method: clinical testing. Allele origin: germline.
Comment: The p.D827H variant (also known as c.2479G>C), located in coding exon 15 of the DSG2 gene, results from a G to C substitution at nucleotide position 2479. The aspartic acid at codon 827 is replaced by histidine, an amino acid with similar properties. This amino acid position is highly conserved in available vertebrate species. In addition, this alteration is predicted to be deleterious by in silico analysis. Based on the available evidence, the clinical significance of this variant remains unclear.

Labcorp Genetics (formerly Invitae), Labcorp
Classification: Uncertain significance for Arrhythmogenic right ventricular dysplasia 10. Last evaluated: 2022-10-01. Review status: criteria provided, single submitter. Criteria: Invitae Variant Classification Sherloc (09022015). Collection method: clinical testing. Allele origin: germline.
Comment: This sequence change replaces aspartic acid, which is acidic and polar, with histidine, which is basic and polar, at codon 827 of the DSG2 protein (p.Asp827His). This variant is not present in population databases (gnomAD no frequency). This variant has not been reported in the literature in individuals affected with DSG2-related conditions. Algorithms developed to predict the effect of missense changes on protein structure and function (SIFT, PolyPhen-2, Align-GVGD) all suggest that this variant is likely to be disruptive. In summary, the available evidence is currently insufficient to determine the role of this variant in disease. Therefore, it has been classified as a Variant of Uncertain Significance.

NM_001943.5(DSG2):c.2479G>C (p.Asp827His)

Genes: DSG2 (desmoglein 2; plus strand), DSG2-AS1 (DSG2 antisense RNA 1; minus strand). Cytogenetic location: 18q12.1.
Variant type: single nucleotide variant.
Coding change: c.2479G>C on transcript NM_001943.5 (MANE Select); coding-DNA position 2479, G replaced by C.
Protein change: p.Asp827His; replaces aspartic acid 827 with histidine.
Molecular consequence: missense variant. On other transcripts: non-coding transcript variant (1).
Genome position (GRCh38, 1-based): chr18:31,545,865, G>C. VCF-style: chr18-31545865-G-C. GRCh37 (hg19) VCF-style: chr18-29125828-G-C.
Other names: short protein forms D827H.
Identifiers: ClinVar variation 1720741 (VCV001720741.8), dbSNP rs2073302233, ClinGen allele CA402144682.